The following is an entry in ClinVar:

NM_025243.4(SLC19A3):c.304G>T (p.Gly102Ter)

Gene: SLC19A3 (solute carrier family 19 member 3; minus strand). Cytogenetic location: 2q36.3.
Variant type: single nucleotide variant.
Coding change: c.304G>T on transcript NM_025243.4 (MANE Select); coding-DNA position 304, G replaced by T.
Protein change: p.Gly102Ter; replaces glycine 102 with a stop codon.
Molecular consequence: nonsense.
Genome position (GRCh38, 1-based): chr2:227,699,411, C>A on the plus strand (G>T on the coding strand, the complement: SLC19A3 is on the minus strand). VCF-style: chr2-227699411-C-A. GRCh37 (hg19) VCF-style: chr2-228564127-C-A.
Other names: c.304G>T, p.Gly102Ter (NM_001371411.1, NM_001371412.1); c.292G>T, p.Gly98Ter (NM_001371413.1, NM_001371414.1); short protein forms G102*, G98*.
Identifiers: ClinVar variation 5018840 (VCV005018840.2).

ClinVar aggregate classification (germline): Likely pathogenic (1 of 4 stars; one submission).

Conditions:
Biotin-responsive basal ganglia disease (BTBGD). Also called: Thiamine metabolism dysfunction syndrome type 2; Thiamine metabolism dysfunction syndrome 2 (biotin- or thiamine-responsive encephalopathy type 2); thiamine-responsive encephalopathy; Thiamine Transporter-2 Deficiency; THIAMINE METABOLISM DYSFUNCTION SYNDROME 2 (BIOTIN- AND THIAMINE-RESPONSIVE TYPE). Identifiers: Orphanet 199348, Orphanet 65284, MedGen C1843807, MONDO:0011841, OMIM 607483.

Submission:

Juno Genomics, Hangzhou Juno Genomics, Inc
Classification: Likely pathogenic for Biotin-responsive basal ganglia disease. Review status: criteria provided, single submitter. Criteria: ACMG Guidelines, 2015. Collection method: clinical testing. Allele origin: germline.
Comment: Absent from controls (or at extremely low frequency if recessive) in Genome Aggregation Database.;Null variant in a gene where loss of function (LOF) is a known mechanism of disease.